The following is an entry in ClinVar:

ClinVar aggregate classification (germline): Uncertain significance (1 of 4 stars; one submission).

Conditions:
Inborn genetic diseases. Identifiers: MedGen C0950123, MeSH D030342.

Submission:

Ambry Genetics
Classification: Uncertain significance for Inborn genetic diseases. Last evaluated: 2021-09-26. Review status: criteria provided, single submitter. Criteria: Ambry Variant Classification Scheme 2023. Collection method: clinical testing. Allele origin: germline.
Comment: The p.T909A variant (also known as c.2725A>G), located in coding exon 13 of the ATR gene, results from an A to G substitution at nucleotide position 2725. The threonine at codon 909 is replaced by alanine, an amino acid with similar properties. This amino acid position is conserved. In addition, the in silico prediction for this alteration is inconclusive. Since supporting evidence is limited at this time, the clinical significance of this alteration remains unclear.

NM_001184.4(ATR):c.2725A>G (p.Thr909Ala)

Gene: ATR (ATR checkpoint kinase; minus strand). Cytogenetic location: 3q23.
Variant type: single nucleotide variant.
Coding change: c.2725A>G on transcript NM_001184.4 (MANE Select); coding-DNA position 2725, A replaced by G.
Protein change: p.Thr909Ala; replaces threonine 909 with alanine.
Molecular consequence: missense variant.
Genome position (GRCh38, 1-based): chr3:142,553,307, T>C on the plus strand (A>G on the coding strand, the complement: ATR is on the minus strand). VCF-style: chr3-142553307-T-C. GRCh37 (hg19) VCF-style: chr3-142272149-T-C.
Other names: c.2533A>G, p.Thr845Ala (NM_001354579.2); short protein forms T909A, T845A.
Identifiers: ClinVar variation 1795229 (VCV001795229.2), dbSNP rs2473380097, ClinGen allele CA354814569.
Genomic context (GRCh38, chr3:142,553,307, plus strand): 5'-ACTGGCTGAAAAAACTTTGCAGTTTAACACTTTTAGCTGCAACCAGAGCTCTAATTTCTG[T>C]GTATGCTGCTCCAGAGACAGATGCTGACTTGGATAACAAACAATGCAATAAGTGTAAGAG-3'
Protein context (NP_001175.2, residues 899-919): KSASVSGAAY[Thr909Ala]EIRALVAAKS